The following is an entry in ClinVar:

ClinVar aggregate classification (germline): Pathogenic (1 of 4 stars; one submission).

Conditions:
Neurofibromatosis, type 1 (NF1). Also called: Peripheral type neurofibromatosis; NEUROFIBROMATOSIS, TYPE I, SOMATIC; Neurofibromatosis, type I; VON RECKLINGHAUSEN DISEASE. Identifiers: Orphanet 636, MedGen C0027831, MONDO:0018975, OMIM 162200. Disease mechanism: loss of function.

Submission:

Labcorp Genetics (formerly Invitae), Labcorp
Classification: Pathogenic for Neurofibromatosis, type 1. Last evaluated: 2022-04-13. Review status: criteria provided, single submitter. Criteria: Invitae Variant Classification Sherloc (09022015). Collection method: clinical testing. Allele origin: germline.
Comment: This sequence change creates a premature translational stop signal (p.Trp1641Serfs*37) in the NF1 gene. It is expected to result in an absent or disrupted protein product. Loss-of-function variants in NF1 are known to be pathogenic (PMID: 10712197, 23913538). This variant is not present in population databases (gnomAD no frequency). This variant has not been reported in the literature in individuals affected with NF1-related conditions. For these reasons, this variant has been classified as Pathogenic.

Literature cited by the submitters: PubMed 10712197; PubMed 23913538.

NM_001042492.3(NF1):c.4982_4983dup (p.Trp1662fs)

Gene: NF1 (neurofibromin 1; plus strand). Cytogenetic location: 17q11.2.
Variant type: Duplication.
Coding change: c.4982_4983dup on transcript NM_001042492.3 (MANE Select); coding-DNA positions 4982 to 4983, 2 bases duplicated (AG; older notation c.4982_4983dupAG).
Protein change: p.Trp1662fs; shifts the reading frame from tryptophan 1662.
Molecular consequence: frameshift variant.
Genome position (GRCh38, 1-based): chr17:31,325,966-31,325,967, AG duplicated. VCF-style (leftmost placement, unchanged base first): chr17-31325965-A-AAG. GRCh37 (hg19) VCF-style: chr17-29652983-A-AAG.
Other names: c.4919_4920dup, p.Trp1641Serfs (NM_000267.4); short protein forms W1641fs, W1662fs.
Identifiers: ClinVar variation 2125944 (VCV002125944.4), dbSNP rs2508695761, ClinGen allele CA2580092979.